The following is an entry in ClinVar:

ClinVar aggregate classification (germline): Uncertain significance (1 of 4 stars; one submission).

Allele frequency attached by ClinVar (database versions not stated): gnomAD exomes 0.00001; TOPMed 0.00001; ExAC 0.00002.
gnomAD v4.1: 6 of 1,613,256 alleles (0.00037%); highest among the groups gnomAD compares: Admixed American, 0.0017%; no homozygotes.

Submission:

Labcorp Genetics (formerly Invitae), Labcorp
Classification: Uncertain significance. Last evaluated: 2024-07-30. Review status: criteria provided, single submitter. Criteria: Invitae Variant Classification Sherloc (09022015). Collection method: clinical testing. Allele origin: germline.
Comment: This sequence change replaces proline, which is neutral and non-polar, with leucine, which is neutral and non-polar, at codon 272 of the COL9A3 protein (p.Pro272Leu). This variant is present in population databases (rs760374672, gnomAD 0.01%). This variant has not been reported in the literature in individuals affected with COL9A3-related conditions. ClinVar contains an entry for this variant (Variation ID: 1983678). Advanced modeling of protein sequence and biophysical properties (such as structural, functional, and spatial information, amino acid conservation, physicochemical variation, residue mobility, and thermodynamic stability) performed at Invitae indicates that this missense variant is not expected to disrupt COL9A3 protein function with a negative predictive value of 95%. In summary, the available evidence is currently insufficient to determine the role of this variant in disease. Therefore, it has been classified as a Variant of Uncertain Significance.

NM_001853.4(COL9A3):c.815C>T (p.Pro272Leu)

Gene: COL9A3 (collagen type IX alpha 3 chain; plus strand). Cytogenetic location: 20q13.33.
Variant type: single nucleotide variant.
Coding change: c.815C>T on transcript NM_001853.4 (MANE Select); coding-DNA position 815, C replaced by T.
Protein change: p.Pro272Leu; replaces proline 272 with leucine.
Molecular consequence: missense variant.
Genome position (GRCh38, 1-based): chr20:62,827,263, C>T. VCF-style: chr20-62827263-C-T. GRCh37 (hg19) VCF-style: chr20-61458615-C-T.
Other names: short protein forms P272L.
Identifiers: ClinVar variation 1983678 (VCV001983678.4), dbSNP rs760374672, ClinGen allele CA9949532.